The following is an entry in ClinVar:

ClinVar aggregate classification (germline): Likely benign. Review status: criteria provided, multiple submitters, no conflicts (2 of 4 stars). 2 submissions from 2 submitters: Likely benign (2). Last evaluated 2024-10-01.

gnomAD v4.1: 250 of 1,611,434 alleles (0.016%); highest among the groups gnomAD compares: Non-Finnish European, 0.019%; no homozygotes.

Submissions (2):

CeGaT Center for Human Genetics Tuebingen
Classification: Likely benign. Last evaluated: 2024-10-01. Review status: criteria provided, single submitter. Criteria: CeGaT Center For Human Genetics Tuebingen Variant Classification Criteria Version 2. Collection method: clinical testing. Allele origin: germline. Affected: yes. Observed: 1 variant allele.
Comment: ZNF292: BP4, BP7

Blueprint Genetics
Classification: Likely benign. Last evaluated: 2024-05-13. Review status: criteria provided, single submitter. Criteria: ACMG Guidelines, 2015. Collection method: clinical testing. Allele origin: germline.

NM_015021.3(ZNF292):c.717A>G (p.Ser239=)

Gene: ZNF292 (zinc finger protein 292; plus strand). Cytogenetic location: 6q14.3.
Variant type: single nucleotide variant.
Coding change: c.717A>G on transcript NM_015021.3 (MANE Select); coding-DNA position 717, A replaced by G.
Protein change: p.Ser239=; no amino-acid change (serine 239 retained).
Molecular consequence: synonymous variant.
Genome position (GRCh38, 1-based): chr6:87,233,503, A>G. VCF-style: chr6-87233503-A-G. GRCh37 (hg19) VCF-style: chr6-87943221-A-G.
Other names: c.297A>G, p.Ser99= (NM_001351444.2).
Identifiers: ClinVar variation 3388330 (VCV003388330.15).
Genomic context (GRCh38, chr6:87,233,503, plus strand): 5'-AGAGATTGGCATAAAAGGTAGTTTTAAGCAAACTTACCTTGTCTGTCTTTGTACATCATC[A>G]CCAAATGGAAAGTTAATCGAAGAGGTGAGTATGTTTTCTTTCATTAGTAATTATTTTTTA-3'
Protein context (NP_055836.1, residues 229-249): QTYLVCLCTS[Ser239=]PNGKLIEEIS